The following is an entry in ClinVar:

ClinVar aggregate classification (germline): Uncertain significance. Review status: criteria provided, multiple submitters, no conflicts (2 of 4 stars). 3 submissions from 3 submitters: Uncertain significance (3). Last evaluated 2026-08-21.

Conditions:
Hereditary cancer-predisposing syndrome. Also called: Hereditary Cancer Syndrome; Tumor predisposition; Hereditary neoplastic syndrome; Neoplastic Syndromes, Hereditary. Identifiers: Orphanet 140162, MedGen C0027672, MeSH D009386, MONDO:0015356.
Gastrointestinal stromal tumor. Also called: Gastrointestinal stroma tumor; Gastrointestinal stromal tumor, somatic. Identifiers: Orphanet 44890, MedGen C0238198, MeSH D046152, MONDO:0011719, OMIM 606764, HP:0100723.
Pheochromocytoma/paraganglioma syndrome 3. Also called: SDHC-Related Hereditary Paraganglioma-Pheochromocytoma Syndrome (Paragangliomas 3); GLOMUS TUMORS, FAMILIAL, 3; SDHC-Related Hereditary Paraganglioma-Pheochromocytoma Syndrome; Paragangliomas 3. Identifiers: Orphanet 29072, MedGen C1854336, MONDO:0011544, OMIM 605373.

Allele frequency attached by ClinVar (database versions not stated): gnomAD exomes below 0.00001.
gnomAD v4.1: 1 of 1,614,006 alleles (0.000062%); highest among the groups gnomAD compares: South Asian, 0.0011%; no homozygotes.

Submissions (3):

Ambry Genetics
Classification: Uncertain significance for Hereditary cancer-predisposing syndrome. Last evaluated: 2026-08-21. Review status: criteria provided, single submitter. Criteria: Ambry Variant Classification Scheme 2023. Collection method: clinical testing. Allele origin: germline.
Comment: The p.L135M variant (also known as c.403T>A), located in coding exon 5 of the SDHC gene, results from a T to A substitution at nucleotide position 403. The leucine at codon 135 is replaced by methionine, an amino acid with highly similar properties. This amino acid position is highly conserved in available vertebrate species. In addition, this alteration is predicted to be deleterious by in silico analysis. Based on the available evidence, the clinical significance of this variant remains unclear.

Labcorp Genetics (formerly Invitae), Labcorp
Classification: Uncertain significance for Pheochromocytoma/paraganglioma syndrome 3; Gastrointestinal stromal tumor. Last evaluated: 2024-05-13. Review status: criteria provided, single submitter. Criteria: Invitae Variant Classification Sherloc (09022015). Collection method: clinical testing. Allele origin: germline.
Comment: This sequence change replaces leucine, which is neutral and non-polar, with methionine, which is neutral and non-polar, at codon 135 of the SDHC protein (p.Leu135Met). This variant is present in population databases (no rsID available, gnomAD 0.003%). This variant has not been reported in the literature in individuals affected with SDHC-related conditions. ClinVar contains an entry for this variant (Variation ID: 534378). An algorithm developed to predict the effect of missense changes on protein structure and function (PolyPhen-2) suggests that this variant is likely to be disruptive. In summary, the available evidence is currently insufficient to determine the role of this variant in disease. Therefore, it has been classified as a Variant of Uncertain Significance.

Baylor Genetics
Classification: Uncertain significance for Gastrointestinal stromal tumor. Last evaluated: 2023-10-30. Review status: criteria provided, single submitter. Criteria: ACMG Guidelines, 2015. Collection method: clinical testing. Allele origin: unknown.

NM_003001.5(SDHC):c.403T>A (p.Leu135Met)

Gene: SDHC (succinate dehydrogenase complex subunit C; plus strand). Cytogenetic location: 1q23.3.
Variant type: single nucleotide variant.
Coding change: c.403T>A on transcript NM_003001.5 (MANE Select); coding-DNA position 403, T replaced by A.
Protein change: p.Leu135Met; replaces leucine 135 with methionine.
Molecular consequence: missense variant. On other transcripts: non-coding transcript variant (1), intron variant (3).
Genome position (GRCh38, 1-based): chr1:161,356,838, T>A. VCF-style: chr1-161356838-T-A. GRCh37 (hg19) VCF-style: chr1-161326628-T-A.
Other names: c.301T>A, p.Leu101Met (NM_001035512.3); c.244T>A, p.Leu82Met (NM_001035513.3); c.523T>A, p.Leu175Met (NM_001407115.1); c.346T>A, p.Leu116Met (NM_001407116.1); c.340T>A, p.Leu114Met (NM_001407117.1); c.295T>A, p.Leu99Met (NM_001407118.1); c.292T>A, p.Leu98Met (NM_001407119.1, NM_001407120.1); c.242-5491T>A (NM_001035511.3); and 2 more; short protein forms L135M, L101M, L82M, L98M, L99M, L114M, L116M, L175M.
Identifiers: ClinVar variation 534378 (VCV000534378.12), dbSNP rs1455783076, ClinGen allele CA343456771.